The following is an entry in ClinVar:

ClinVar aggregate classification (germline): Pathogenic. Review status: criteria provided, single submitter (1 of 4 stars). 2 submissions from 2 submitters: Pathogenic (1). 1 of the submissions does not count toward it. Last evaluated 2026-01-24.

Conditions:
Obesity due to pro-opiomelanocortin deficiency. Also called: Obesity, adrenal insufficiency, and red hair due to POMC deficiency; PROOPIOMELANOCORTIN DEFICIENCY; OBESITY, EARLY-ONSET, WITH ADRENAL INSUFFICIENCY AND RED HAIR. Identifiers: Orphanet 71526, MedGen C1857854, MONDO:0012335, OMIM 609734.

Submissions (2):

GeneDx
Classification: Pathogenic. Last evaluated: 2026-01-24. Review status: criteria provided, single submitter. Criteria: GeneDx Variant Classification Process June 2021. Collection method: clinical testing. Allele origin: germline.
Comment: Located in a regulatory region; published functional studies suggest c.-71+1G>A impairs splicing and results in severe reduction of POMC mRNA protein expression (PMID: 35775692); In silico analysis supports a deleterious effect on splicing; No data available from control populations to assess the frequency of this variant; This variant is associated with the following publications: (PMID: 37569734, 37321569, 35775692)

Laboratory of Functional Genomics, Research Centre for Medical Genetics
Classification: Pathogenic for Obesity due to pro-opiomelanocortin deficiency. Review status: no assertion criteria provided. Collection method: clinical testing, in vitro. Allele origin: germline, not applicable. Inheritance: Autosomal recessive inheritance. Affected: yes. Observed: 21 variant alleles, 14 heterozygotes, 7 homozygotes. Functional consequence: effect on transcription. Not counted in ClinVar's aggregate classification.

Literature cited by the submitters: DOI 10.1210/clinem/dgac397 (cited by Laboratory of Functional Genomics, Research Centre for Medical Genetics).

NM_000939.4(POMC):c.-21+1G>A

Genes: POMC (proopiomelanocortin; minus strand), LOC108167315 (POMC promoter region; plus strand). Cytogenetic location: 2p23.3.
Variant type: single nucleotide variant.
Coding change: c.-21+1G>A on transcript NM_000939.4 (MANE Select); the canonical splice donor site of the intron after 21 bases upstream of the start codon, G replaced by A.
Molecular consequence: splice donor variant.
Genome position (GRCh38, 1-based): chr2:25,168,497, C>T on the plus strand (G>A on the coding strand, the complement: POMC is on the minus strand). VCF-style: chr2-25168497-C-T. GRCh37 (hg19) VCF-style: chr2-25391366-C-T.
Other names: NG_008997.1(NM_001035256.3):c.-71+1G>A; c.-51+1G>A (NM_001319205.2); c.-71+1G>A (NM_001035256.3); c.-101+1G>A (NM_001319204.2).
Identifiers: ClinVar variation 1706561 (VCV001706561.5), dbSNP rs2465563629, ClinGen allele CA2580066135.